The following is an entry in ClinVar:

ClinVar aggregate classification (germline): Benign. Review status: criteria provided, multiple submitters, no conflicts (2 of 4 stars). 16 submissions from 14 submitters: Benign (13). 3 of the submissions do not count toward it. Last evaluated 2026-02-04.

Conditions:
Ullrich congenital muscular dystrophy 1A. Also called: Intermediate COL6-RD; Ullrich congenital muscular dystrophy 1. Identifiers: Orphanet 75840, MedGen C0410179, MONDO:0009681, OMIM 254090.
Collagen 6-related myopathy. Identifiers: MedGen CN117976, MONDO:0100225.
Myosclerosis. Also called: MYOPATHY, MYOSCLEROTIC; MYOSCLEROSIS, CONGENITAL, OF LOWENTHAL; Myosclerosis, congenital. Identifiers: Orphanet 289380, MedGen C1850671, MONDO:0009714, OMIM 255600.
Bethlem myopathy 1A. Also called: Bethlem Muscular Dystrophy; MYOPATHY, BENIGN CONGENITAL, WITH CONTRACTURES; Bethlem myopathy 1. Identifiers: Orphanet 610, MedGen CN029274, MONDO:0024530, OMIM 158810.

Allele frequency attached by ClinVar (database versions not stated): 1000 Genomes Project 30x 0.39022; 1000 Genomes Project 0.39417; ESP Exome Variant Server 0.41273; TOPMed 0.43562; gnomAD 0.44324 and 0.44458; ExAC 0.47551; gnomAD exomes 0.49083.
gnomAD v4.1: 779,198 of 1,612,530 alleles (48%); highest among the groups gnomAD compares: Admixed American, 63%; 193,833 homozygotes.

Submissions (16):

Labcorp Genetics (formerly Invitae), Labcorp
Classification: Benign for Bethlem myopathy 1A. Last evaluated: 2026-02-04. Review status: criteria provided, single submitter. Criteria: Invitae Variant Classification Sherloc (09022015). Collection method: clinical testing. Allele origin: germline.

Blueprint Genetics
Classification: Benign. Last evaluated: 2024-11-28. Review status: criteria provided, single submitter. Criteria: ACMG Guidelines, 2015. Collection method: clinical testing. Allele origin: germline.

Genome-Nilou Lab
Classification: Benign for Myosclerosis. Last evaluated: 2021-07-30. Review status: criteria provided, single submitter. Criteria: ACMG Guidelines, 2015. Collection method: clinical testing. Allele origin: germline. Affected: no.

Genome-Nilou Lab
Classification: Benign for Bethlem myopathy 1A. Last evaluated: 2021-07-30. Review status: criteria provided, single submitter. Criteria: ACMG Guidelines, 2015. Collection method: clinical testing. Allele origin: germline. Affected: no.

Genome-Nilou Lab
Classification: Benign for Ullrich congenital muscular dystrophy 1A. Last evaluated: 2021-07-30. Review status: criteria provided, single submitter. Criteria: ACMG Guidelines, 2015. Collection method: clinical testing. Allele origin: germline. Affected: no.

Illumina Laboratory Services, Illumina
Classification: Benign for Collagen VI-related myopathy. Last evaluated: 2018-01-13. Review status: criteria provided, single submitter. Criteria: ICSL Variant Classification Criteria 13 December 2019. Collection method: clinical testing. Allele origin: germline.
Comment: This variant was observed in the ICSL laboratory as part of a predisposition screen in an ostensibly healthy population. It had not been previously curated by ICSL or reported in the Human Gene Mutation Database (HGMD: prior to June 1st, 2018), and was therefore a candidate for classification through an automated scoring system. Utilizing variant allele frequency, disease prevalence and penetrance estimates, and inheritance mode, an automated score was calculated to assess if this variant is too frequent to cause the disease. Based on the score and internal cut-off values, a variant classified as benign is not then subjected to further curation. The score for this variant resulted in a classification of benign for this disease.

Athena Diagnostics
Classification: Benign. Last evaluated: 2017-09-13. Review status: criteria provided, single submitter. Criteria: Athena Diagnostics Criteria. Collection method: clinical testing. Allele origin: germline.

Mayo Clinic Laboratories, Mayo Clinic
Classification: Benign. Last evaluated: 2017-07-19. Review status: criteria provided, single submitter. Criteria: ACMG Guidelines, 2015. Collection method: clinical testing. Allele origin: germline. Observed: 530 variant alleles.

GeneDx
Classification: Benign. Last evaluated: 2015-03-03. Review status: criteria provided, single submitter. Criteria: GeneDx Variant Classification Process June 2021. Collection method: clinical testing. Allele origin: germline. Affected: yes.

Genetic Services Laboratory, University of Chicago
Classification: Benign for AllHighlyPenetrant. Last evaluated: 2013-08-15. Review status: criteria provided, single submitter. Criteria: ACMG Guidelines, 2007. Collection method: clinical testing. Allele origin: germline.

Eurofins Ntd Llc (ga)
Classification: Benign. Last evaluated: 2012-07-31. Review status: criteria provided, single submitter. Criteria: EGL Classification Definitions 2015. Collection method: clinical testing. Allele origin: germline. Observed: 81 variant alleles, 52 heterozygotes, 29 homozygotes.

Breakthrough Genomics
Classification: Benign. Review status: criteria provided, single submitter. Criteria: ACMG Guidelines, 2015. Collection method: not provided. Allele origin: germline. Inheritance: Autosomal recessive inheritance. Affected: yes.

PreventionGenetics, part of Exact Sciences
Classification: Benign. Review status: criteria provided, single submitter. Criteria: ACMG Guidelines, 2015. Collection method: clinical testing. Allele origin: germline.

Clinical Genetics, Academic Medical Center
Classification: Benign. Review status: no assertion criteria provided. Collection method: clinical testing. Allele origin: germline. Affected: yes. Study: VKGL Data-share Consensus. Not counted in ClinVar's aggregate classification.

Diagnostic Laboratory, Department of Genetics, University Medical Center Groningen
Classification: Benign. Review status: no assertion criteria provided. Collection method: clinical testing. Allele origin: germline. Affected: yes. Study: VKGL Data-share Consensus. Not counted in ClinVar's aggregate classification.

Joint Genome Diagnostic Labs from Nijmegen and Maastricht, Radboudumc and MUMC+
Classification: Benign. Review status: no assertion criteria provided. Collection method: clinical testing. Allele origin: germline. Affected: yes. Study: VKGL Data-share Consensus. Not counted in ClinVar's aggregate classification.

NM_001849.4(COL6A2):c.2094G>A (p.Ala698=)

Gene: COL6A2 (collagen type VI alpha 2 chain; plus strand). Cytogenetic location: 21q22.3.
Variant type: single nucleotide variant.
Coding change: c.2094G>A on transcript NM_001849.4 (MANE Select); coding-DNA position 2094, G replaced by A.
Protein change: p.Ala698=; no amino-acid change (alanine 698 retained).
Molecular consequence: synonymous variant.
Genome position (GRCh38, 1-based): chr21:46,125,909, G>A. VCF-style: chr21-46125909-G-A. GRCh37 (hg19) VCF-style: chr21-47545823-G-A.
Other names: p.Ala698=; c.2094G>A, p.Ala698= (NM_058174.3, NM_058175.3).
Identifiers: ClinVar variation 93930 (VCV000093930.35), dbSNP rs13052956, ClinGen allele CA147456.
Genomic context (GRCh38, chr21:46,125,909, plus strand): 5'-CGAACGTATCGACTCCCTGTCGAGCTTCAAGGAGGCTGTCAAGAACCTCGAGTGGATTGC[G>A]GGCGGCACCTGGACACCCTCAGCCCTCAAGTTTGCCTACGACCGCCTCATCAAGGAGAGC-3'
Protein context (NP_001840.3, residues 688-708): KEAVKNLEWI[Ala698=]GGTWTPSALK